The following is an entry in ClinVar:

ClinVar aggregate classification (germline): Uncertain significance (1 of 4 stars; one submission).

Conditions:
Combined immunodeficiency due to MALT1 deficiency. Also called: Immunodeficiency 12. Identifiers: Orphanet 397964, MedGen C3809583, MONDO:0014197, OMIM 615468.

Allele frequency attached by ClinVar (database versions not stated): TOPMed below 0.00001; gnomAD 0.00001; gnomAD exomes 0.00001.
gnomAD v4.1: 19 of 1,240,408 alleles (0.0015%); highest among the groups gnomAD compares: Non-Finnish European, 0.0016%; no homozygotes.

Submission:

Labcorp Genetics (formerly Invitae), Labcorp
Classification: Uncertain significance for Combined immunodeficiency due to MALT1 deficiency. Last evaluated: 2021-08-31. Review status: criteria provided, single submitter. Criteria: Invitae Variant Classification Sherloc (09022015). Collection method: clinical testing. Allele origin: germline.
Comment: This sequence change replaces alanine with threonine at codon 10 of the MALT1 protein (p.Ala10Thr). The alanine residue is weakly conserved and there is a small physicochemical difference between alanine and threonine. The frequency data for this variant in the population databases is considered unreliable, as metrics indicate insufficient coverage at this position in the ExAC database. This variant has not been reported in the literature in individuals affected with MALT1-related conditions. Algorithms developed to predict the effect of missense changes on protein structure and function are either unavailable or do not agree on the potential impact of this missense change (SIFT: "Deleterious"; PolyPhen-2: "Possibly Damaging"; Align-GVGD: "Class C0"). In summary, the available evidence is currently insufficient to determine the role of this variant in disease. Therefore, it has been classified as a Variant of Uncertain Significance.

NM_006785.4(MALT1):c.28G>A (p.Ala10Thr)

Genes: MALT1 (MALT1 paracaspase; plus strand), MALT1-AS1 (MALT1 antisense RNA 1; minus strand), LOC130062586 (ATAC-STARR-seq lymphoblastoid silent region 9487; plus strand). Cytogenetic location: 18q21.32.
Variant type: single nucleotide variant.
Coding change: c.28G>A on transcript NM_006785.4 (MANE Select); coding-DNA position 28, G replaced by A.
Protein change: p.Ala10Thr; replaces alanine 10 with threonine.
Molecular consequence: missense variant. On other transcripts: non-coding transcript variant (1).
Genome position (GRCh38, 1-based): chr18:58,671,671, G>A. VCF-style: chr18-58671671-G-A. GRCh37 (hg19) VCF-style: chr18-56338903-G-A.
Other names: c.28G>A, p.Ala10Thr (NM_173844.3); short protein forms A10T.
Identifiers: ClinVar variation 1471182 (VCV001471182.5), dbSNP rs1486051104, ClinGen allele CA402570568.
Genomic context (GRCh38, chr18:58,671,671, plus strand): 5'-AGCCCCGGCAGTCCGGGGTCGCCGGCGAGGGCCATGTCGCTGTTGGGGGACCCGCTACAG[G>A]CCCTGCCGCCCTCGGCCGCCCCCACGGGGCCGCTGCTCGCCCCTCCGGCCGGCGCGACCC-3'
Protein context (NP_006776.1, residues 1-20): MSLLGDPLQ[Ala10Thr]LPPSAAPTGP